The following is an entry in ClinVar:

ClinVar aggregate classification (germline): Conflicting classifications of pathogenicity. Review status: criteria provided, conflicting classifications (1 of 4 stars). 7 submissions from 7 submitters: Uncertain significance (6); Likely benign (1). Last evaluated 2026-03-23.

Conditions:
Classic or attenuated familial adenomatous polyposis. Identifiers: MedGen CN372698, MONDO:0021057.
Hereditary cancer-predisposing syndrome. Also called: Neoplastic Syndromes, Hereditary; Tumor predisposition; Hereditary neoplastic syndrome; Hereditary Cancer Syndrome. Identifiers: Orphanet 140162, MedGen C0027672, MeSH D009386, MONDO:0015356.
Familial adenomatous polyposis 1 (FAP1). Also called: FAMILIAL ADENOMATOUS POLYPOSIS 1, ATTENUATED; POLYPOSIS, ADENOMATOUS INTESTINAL. Identifiers: MedGen C2713442, MONDO:0021056, OMIM 175100. Disease mechanism: loss of function.

Allele frequency attached by ClinVar (database versions not stated): gnomAD exomes 0.00001.
gnomAD v4.1: 8 of 1,613,996 alleles (0.0005%); highest among the groups gnomAD compares: Non-Finnish European, 0.00068%; no homozygotes.

Submissions (7):

Ambry Genetics
Classification: Likely benign for Hereditary cancer-predisposing syndrome. Last evaluated: 2026-03-23. Review status: criteria provided, single submitter. Criteria: Ambry Variant Classification Scheme 2023. Collection method: clinical testing. Allele origin: germline.

Labcorp Genetics (formerly Invitae), Labcorp
Classification: Uncertain significance for Familial adenomatous polyposis 1. Last evaluated: 2025-11-19. Review status: criteria provided, single submitter. Criteria: Invitae Variant Classification Sherloc (09022015). Collection method: clinical testing. Allele origin: germline.
Comment: This sequence change replaces alanine, which is neutral and non-polar, with threonine, which is neutral and polar, at codon 2702 of the APC protein (p.Ala2702Thr). This variant is not present in population databases (gnomAD no frequency). This variant has not been reported in the literature in individuals affected with APC-related conditions. ClinVar contains an entry for this variant (Variation ID: 127323). Invitae Evidence Modeling of protein sequence and biophysical properties (such as structural, functional, and spatial information, amino acid conservation, physicochemical variation, residue mobility, and thermodynamic stability) indicates that this missense variant is not expected to disrupt APC protein function with a negative predictive value of 95%. In summary, the available evidence is currently insufficient to determine the role of this variant in disease. Therefore, it has been classified as a Variant of Uncertain Significance.

Women's Health and Genetics/Laboratory Corporation of America, LabCorp
Classification: Uncertain significance. Last evaluated: 2025-09-18. Review status: criteria provided, single submitter. Criteria: LabCorp Variant Classification Summary - May 2015. Collection method: clinical testing. Allele origin: germline.

All of Us Research Program, National Institutes of Health
Classification: Uncertain significance for Classic or attenuated familial adenomatous polyposis. Last evaluated: 2024-05-30. Review status: criteria provided, single submitter. Criteria: ACMG Guidelines, 2015. Collection method: clinical testing. Allele origin: germline. Inheritance: Autosomal dominant inheritance. Observed: 1 variant allele, 1 heterozygote.
Comment: This missense variant replaces alanine with threonine at codon 2702 of the APC protein. Computational prediction suggests that this variant may not impact protein structure and function (internally defined REVEL score threshold <= 0.5, PMID: 27666373). To our knowledge, functional studies have not been reported for this variant. This variant has not been reported in individuals affected with APC-related disorders in the literature. This variant has not been identified in the general population by the Genome Aggregation Database (gnomAD). The available evidence is insufficient to determine the role of this variant in disease conclusively. Therefore, this variant is classified as a Variant of Uncertain Significance.

This study involves interpretation of variants in research participants for the purpose of population health screening. Participant phenotype was not available at the time of variant classification. Additional details can be found in publication PMID: 35346344, PMCID: PMC8962531

Baylor Genetics
Classification: Uncertain significance for Familial adenomatous polyposis 1. Last evaluated: 2023-11-13. Review status: criteria provided, single submitter. Criteria: ACMG Guidelines, 2015. Collection method: clinical testing. Allele origin: unknown.

PreventionGenetics, part of Exact Sciences
Classification: Uncertain significance. Last evaluated: 2017-06-01. Review status: criteria provided, single submitter. Criteria: ACMG Guidelines, 2015. Collection method: clinical testing. Allele origin: germline.

GeneDx
Classification: Uncertain significance. Last evaluated: 2014-01-06. Review status: criteria provided, single submitter. Criteria: GeneDx Variant Classification (06012015). Collection method: clinical testing. Allele origin: germline. Affected: yes.
Comment: This variant is denoted APC c.8104G>A at the cDNA level, p.Ala2702Thr (A2702T) at the protein level, and results in the change of an Alanine to a Threonine (GCA>ACA). This variant has not, to our knowledge, been published in the literature as pathogenic or benign. APC Ala2702Thr was not observed in approximately 6,500 individuals of European and African American ancestry in the NHLBI Exome Sequencing Project, indicating it is not a common benign variant in these populations. This variant is a non-conservative substitution in which a neutral non-polar amino acid is replaced with a neutral polar one, altering a position that is highly variable throughout evolution and is located in in the EB1 binding domain. In silico analyses predict this variant to have a benign effect on protein structure and function. Based on the currently available information, we consider APC Ala2702Thr to be a variant of uncertain significance.

NM_000038.6(APC):c.8104G>A (p.Ala2702Thr)

Gene: APC (APC regulator of Wnt signaling pathway; plus strand). Cytogenetic location: 5q22.2.
Variant type: single nucleotide variant.
Coding change: c.8104G>A on transcript NM_000038.6 (MANE Select); coding-DNA position 8104, G replaced by A.
Protein change: p.Ala2702Thr; replaces alanine 2702 with threonine.
Molecular consequence: missense variant.
Genome position (GRCh38, 1-based): chr5:112,843,698, G>A. VCF-style: chr5-112843698-G-A. GRCh37 (hg19) VCF-style: chr5-112179395-G-A.
Other names: p.A2702T:GCA>ACA; c.8104G>A, p.Ala2702Thr (NM_001127510.3, NM_001354895.2); c.8050G>A, p.Ala2684Thr (NM_001127511.3); c.8158G>A, p.Ala2720Thr (NM_001354896.2); c.8134G>A, p.Ala2712Thr (NM_001354897.2); c.8029G>A, p.Ala2677Thr (NM_001354898.2); c.8020G>A, p.Ala2674Thr (NM_001354899.2); c.7981G>A, p.Ala2661Thr (NM_001354900.2); and 6 more; short protein forms A2702T, A2684T, A2419T, A2576T, A2720T, A2677T, A2542T, A2611T.
Identifiers: ClinVar variation 127323 (VCV000127323.23), dbSNP rs587779808, ClinGen allele CA014325.